The following is an entry in ClinVar:

NM_001384910.1(GUCA1A):c.328_337del (p.Asp110fs)

Genes: GUCA1A (guanylate cyclase activator 1A; plus strand), GUCA1ANB-GUCA1A (GUCA1ANB-GUCA1A readthrough; plus strand). Cytogenetic location: 6p21.1.
Variant type: Deletion.
Coding change: c.328_337del on transcript NM_001384910.1 (MANE Select); coding-DNA positions 328 to 337, 10 bases deleted (GATGAGCTGC; older notation c.328_337delGATGAGCTGC).
Protein change: p.Asp110fs; shifts the reading frame from aspartic acid 110.
Molecular consequence: frameshift variant.
Genome position (GRCh38, 1-based): chr6:42,178,406-42,178,415, GATGAGCTGC deleted; deleting any 10 consecutive bases within chr6:42,178,404-42,178,415 gives the same sequence; the c. name uses the placement nearest the transcript's 3' end. VCF-style (leftmost placement, unchanged base first): chr6-42178403-CGCGATGAGCT-C. GRCh37 (hg19) VCF-style: chr6-42146141-CGCGATGAGCT-C.
Other names: c.328_337del, p.Asp110fs (NM_000409.5, NM_001319061.2, NM_001319062.2); short protein forms D110fs.
Identifiers: ClinVar variation 1306872 (VCV001306872.9), dbSNP rs2113837805, ClinGen allele CA2573052685.
Genomic context (GRCh38, chr6:42,178,403, plus strand): 5'-GAACAGAAGCTCCGCTGGTACTTCAAGCTCTATGATGTAGATGGCAACGGCTGCATTGAC[CGCGATGAGCT>C]GCTCACCATCATCCAGGTGCAGAGGGCCCGGCCAGGGCTGGGGGCAGCGGTCTGGGGTGG-3'

ClinVar aggregate classification (germline): Uncertain significance. Review status: criteria provided, multiple submitters, no conflicts (2 of 4 stars). 2 submissions from 2 submitters: Uncertain significance (2). Last evaluated 2025-12-14.

Submissions (2):

Labcorp Genetics (formerly Invitae), Labcorp
Classification: Uncertain significance. Last evaluated: 2025-12-14. Review status: criteria provided, single submitter. Criteria: Invitae Variant Classification Sherloc (09022015). Collection method: clinical testing. Allele origin: germline.
Comment: This sequence change creates a premature translational stop signal (p.Asp110Serfs*18) in the GUCA1A gene. It is expected to result in an absent or disrupted protein product. However, the current clinical and genetic evidence is not sufficient to establish whether loss-of-function variants in GUCA1A cause disease. This variant is not present in population databases (gnomAD no frequency). This premature translational stop signal has been observed in individual(s) with retinal dystrophy (PMID: 31736247). ClinVar contains an entry for this variant (Variation ID: 1306872). In summary, the available evidence is currently insufficient to determine the role of this variant in disease. Therefore, it has been classified as a Variant of Uncertain Significance.

GeneDx
Classification: Uncertain significance. Last evaluated: 2019-07-08. Review status: criteria provided, single submitter. Criteria: GeneDx Variant Classification Process June 2021. Collection method: clinical testing. Allele origin: germline. Affected: yes.
Comment: Not observed in large population cohorts (Lek et al., 2016); Frameshift variant predicted to result in protein truncation or nonsense mediated decay in a gene for which loss-of-function is not a known mechanism of disease; Has not been previously published as pathogenic or benign to our knowledge; This variant is associated with the following publications: (PMID: 31736247)

Literature cited by the submitters: PubMed 31736247 (cited by Labcorp Genetics (formerly Invitae), Labcorp).